The following is an entry in ClinVar:

ClinVar aggregate classification (germline): Uncertain significance (1 of 4 stars; one submission).

gnomAD v4.1: 2 of 1,243,772 alleles (0.00016%); highest among the groups gnomAD compares: African/African-American, 0.0016%; no homozygotes.

Submission:

GeneDx
Classification: Uncertain significance. Last evaluated: 2025-03-10. Review status: criteria provided, single submitter. Criteria: GeneDx Variant Classification Process June 2021. Collection method: clinical testing. Allele origin: germline. Affected: yes.
Comment: Not observed at significant frequency in large population cohorts (gnomAD); In silico analysis indicates that this missense variant does not alter protein structure/function; Has not been previously published as pathogenic or benign to our knowledge

NM_017802.4(DNAAF5):c.16G>T (p.Val6Leu)

Genes: DNAAF5 (dynein axonemal assembly factor 5; plus strand), PRKAR1B (protein kinase cAMP-dependent type I regulatory subunit beta; minus strand). Cytogenetic location: 7p22.3.
Variant type: single nucleotide variant.
Coding change: c.16G>T on transcript NM_017802.4 (MANE Select); coding-DNA position 16, G replaced by T.
Protein change: p.Val6Leu; replaces valine 6 with leucine.
Molecular consequence: missense variant. On other transcripts: non-coding transcript variant (1), intron variant (3).
Genome position (GRCh38, 1-based): chr7:726,736, G>T. VCF-style: chr7-726736-G-T. GRCh37 (hg19) VCF-style: chr7-766373-G-T.
Other names: c.-23+919C>A (NM_001164759.1); c.-23+854C>A (NM_001164758.2); c.-23+474C>A (NM_001164760.2); short protein forms V6L.
Identifiers: ClinVar variation 4082857 (VCV004082857.1).